The following is an entry in ClinVar:

ClinVar aggregate classification (germline): Uncertain significance (1 of 4 stars; one submission).

Conditions:
Inborn genetic diseases. Identifiers: MedGen C0950123, MeSH D030342.

Submission:

Ambry Genetics
Classification: Uncertain significance for Inborn genetic diseases. Last evaluated: 2022-06-29. Review status: criteria provided, single submitter. Criteria: Ambry Variant Classification Scheme 2023. Collection method: clinical testing. Allele origin: germline.
Comment: The p.M396I variant (also known as c.1188G>A), located in coding exon 9 of the BUB1B gene, results from a G to A substitution at nucleotide position 1188. The methionine at codon 396 is replaced by isoleucine, an amino acid with highly similar properties. This amino acid position is conserved. In addition, this alteration is predicted to be tolerated by in silico analysis. Since supporting evidence is limited at this time, the clinical significance of this alteration remains unclear.

NM_001211.6(BUB1B):c.1188G>A (p.Met396Ile)

Gene: BUB1B (BUB1 mitotic checkpoint serine/threonine kinase B; plus strand). Cytogenetic location: 15q15.1.
Variant type: single nucleotide variant.
Coding change: c.1188G>A on transcript NM_001211.6 (MANE Select); coding-DNA position 1188, G replaced by A.
Protein change: p.Met396Ile; replaces methionine 396 with isoleucine.
Molecular consequence: missense variant.
Genome position (GRCh38, 1-based): chr15:40,196,674, G>A. VCF-style: chr15-40196674-G-A. GRCh37 (hg19) VCF-style: chr15-40488875-G-A.
Other names: short protein forms M396I.
Identifiers: ClinVar variation 1744080 (VCV001744080.2), dbSNP rs2542550536, ClinGen allele CA391687335.